The following is an entry in ClinVar:

NM_000090.4(COL3A1):c.2105G>T (p.Gly702Val)

Gene: COL3A1 (collagen type III alpha 1 chain; plus strand). Cytogenetic location: 2q32.2.
Variant type: single nucleotide variant.
Coding change: c.2105G>T on transcript NM_000090.4 (MANE Select); coding-DNA position 2105, G replaced by T.
Protein change: p.Gly702Val; replaces glycine 702 with valine.
Molecular consequence: missense variant.
Genome position (GRCh38, 1-based): chr2:188,999,367, G>T. VCF-style: chr2-188999367-G-T. GRCh37 (hg19) VCF-style: chr2-189864093-G-T.
Identifiers: ClinVar variation 101362 (VCV000101362.7), dbSNP rs587779512, ClinGen allele CA005016.

ClinVar aggregate classification (germline): Likely pathogenic. Review status: criteria provided, single submitter (1 of 4 stars). 2 submissions from 2 submitters: Likely pathogenic (1). 1 of the submissions does not count toward it. Last evaluated 2020-06-18.

Conditions:
Ehlers-Danlos syndrome, type 4 (EDSVASC). Also called: Ehlers-Danlos syndrome vascular type; Ehlers Danlos syndrome, ecchymotic type; Ehlers Danlos syndrome, arterial type; Ehlers Danlos syndrome, Sack-Barabas type; Ehlers-Danlos Syndrome Type IV. Identifiers: Orphanet 286, MedGen C0268338, MONDO:0017314, OMIM 130050.

Submissions (2):

Mayo Clinic Laboratories, Mayo Clinic
Classification: Likely pathogenic. Last evaluated: 2020-06-18. Review status: criteria provided, single submitter. Criteria: ACMG Guidelines, 2015. Collection method: clinical testing. Allele origin: germline. Observed: 1 variant allele.
Comment: PS4_moderate, PM1, PM2, PP2, PP3, PP4

Collagen Diagnostic Laboratory, University of Washington
Classification: Pathogenic for Ehlers-Danlos syndrome, type 4. Review status: no assertion criteria provided. Collection method: clinical testing. Allele origin: germline. Affected: yes. Not counted in ClinVar's aggregate classification.

Literature cited by the submitters: PubMed 24922459 (cited by Mayo Clinic Laboratories, Mayo Clinic); PubMed 25758994 (cited by Mayo Clinic Laboratories, Mayo Clinic).